The following is an entry in ClinVar:

NM_002529.4(NTRK1):c.1079C>T (p.Thr360Met)

Gene: NTRK1 (neurotrophic receptor tyrosine kinase 1; plus strand). Cytogenetic location: 1q23.1.
Variant type: single nucleotide variant.
Coding change: c.1079C>T on transcript NM_002529.4 (MANE Select); coding-DNA position 1079, C replaced by T.
Protein change: p.Thr360Met; replaces threonine 360 with methionine.
Molecular consequence: missense variant.
Genome position (GRCh38, 1-based): chr1:156,873,861, C>T. VCF-style: chr1-156873861-C-T. GRCh37 (hg19) VCF-style: chr1-156843653-C-T.
Other names: c.989C>T, p.Thr330Met (NM_001007792.1); c.1079C>T, p.Thr360Met (NM_001012331.2); short protein forms T330M, T360M.
Identifiers: ClinVar variation 851702 (VCV000851702.6), dbSNP rs371498291, ClinGen allele CA1169179.

ClinVar aggregate classification (germline): Uncertain significance. Review status: criteria provided, single submitter (1 of 4 stars). 2 submissions from 2 submitters: Uncertain significance (1). 1 of the submissions does not count toward it. Last evaluated 2024-11-11.

Conditions:
Hereditary insensitivity to pain with anhidrosis (CIPA). Also called: INSENSITIVITY TO PAIN, CONGENITAL, WITH ANHIDROSIS; HSAN Type IV; hereditary sensory and autonomic neuropathy type 4; NTRK1 Congenital Insensitivity to Pain with Anhidrosis; FAMILIAL DYSAUTONOMIA, TYPE II; NEUROPATHY, CONGENITAL SENSORY, WITH ANHIDROSIS. Identifiers: Orphanet 642, MedGen C0020074, MONDO:0009746, OMIM 256800.

Allele frequency attached by ClinVar (database versions not stated): gnomAD exomes 0.00001 and 0.00004; ExAC 0.00003; gnomAD 0.00003 and 0.00004; TOPMed 0.00003; ESP Exome Variant Server 0.00008.
gnomAD v4.1: 62 of 1,604,790 alleles (0.0039%); highest among the groups gnomAD compares: Non-Finnish European, 0.0046%; no homozygotes.

Submissions (2):

Labcorp Genetics (formerly Invitae), Labcorp
Classification: Uncertain significance for Hereditary insensitivity to pain with anhidrosis. Last evaluated: 2024-11-11. Review status: criteria provided, single submitter. Criteria: Invitae Variant Classification Sherloc (09022015). Collection method: clinical testing. Allele origin: germline.
Comment: This sequence change replaces threonine, which is neutral and polar, with methionine, which is neutral and non-polar, at codon 360 of the NTRK1 protein (p.Thr360Met). The frequency data for this variant in the population databases is considered unreliable, as metrics indicate poor data quality at this position in the gnomAD database. This variant has not been reported in the literature in individuals affected with NTRK1-related conditions. ClinVar contains an entry for this variant (Variation ID: 851702). Invitae Evidence Modeling of protein sequence and biophysical properties (such as structural, functional, and spatial information, amino acid conservation, physicochemical variation, residue mobility, and thermodynamic stability) has been performed for this missense variant. However, the output from this modeling did not meet the statistical confidence thresholds required to predict the impact of this variant on NTRK1 protein function. In summary, the available evidence is currently insufficient to determine the role of this variant in disease. Therefore, it has been classified as a Variant of Uncertain Significance.

Natera, Inc.
Classification: Uncertain significance for Hereditary insensitivity to pain with anhidrosis. Last evaluated: 2020-04-17. Review status: no assertion criteria provided. Collection method: clinical testing. Allele origin: germline. Not counted in ClinVar's aggregate classification.